The following is an entry in ClinVar:

NM_001135651.3(EIF2AK2):c.1084C>G (p.Leu362Val)

Gene: EIF2AK2 (eukaryotic translation initiation factor 2 alpha kinase 2; minus strand). Cytogenetic location: 2p22.2.
Variant type: single nucleotide variant.
Coding change: c.1084C>G on transcript NM_001135651.3 (MANE Select); coding-DNA position 1084, C replaced by G.
Protein change: p.Leu362Val; replaces leucine 362 with valine.
Molecular consequence: missense variant.
Genome position (GRCh38, 1-based): chr2:37,120,123, G>C on the plus strand (C>G on the coding strand, the complement: EIF2AK2 is on the minus strand). VCF-style: chr2-37120123-G-C. GRCh37 (hg19) VCF-style: chr2-37347266-G-C.
Other names: c.961C>G, p.Leu321Val (NM_001135652.3); c.1084C>G, p.Leu362Val (NM_002759.4); short protein forms L321V, L362V.
Identifiers: ClinVar variation 4882060 (VCV004882060.2).

ClinVar aggregate classification (germline): Uncertain significance (1 of 4 stars; one submission).

Submission:

Dasa
Classification: Uncertain significance. Last evaluated: 2024-10-02. Review status: criteria provided, single submitter. Criteria: DASA Assertion Criteria. Collection method: clinical testing. Allele origin: germline.
Comment: NM_001135651.3(EIF2AK2):c.1084C>G (p.Leu362Val) is a missense variant that results in the substitution of leucine with valine. This variant is absent from population databases. The currently available literature and clinical evidence are not sufficient to establish a definitive association between this variant and the reported condition. Therefore, this variant is classified as a variant of uncertain significance.